The following is an entry in ClinVar:

ClinVar aggregate classification (germline): Pathogenic (1 of 4 stars; one submission).

Conditions:
Charcot-Marie-Tooth disease type 2. Also called: Charcot-Marie-Tooth type 2. Identifiers: Orphanet 64746, MedGen C0270914, MONDO:0018993.

Submission:

Labcorp Genetics (formerly Invitae), Labcorp
Classification: Pathogenic for Charcot-Marie-Tooth disease type 2. Last evaluated: 2023-10-24. Review status: criteria provided, single submitter. Criteria: Invitae Variant Classification Sherloc (09022015). Collection method: clinical testing. Allele origin: germline.
Comment: This variant is a gross deletion of the genomic region encompassing exon(s) 5-9 of the AARS gene. This deletion is out-of-frame, and is expected to create a premature termination codon and result in an absent or disrupted protein product. Loss-of-function variants in AARS are known to be pathogenic (PMID: 25817015, 28493438, 34446925). This variant has not been reported in the literature in individuals affected with AARS-related conditions. For these reasons, this variant has been classified as Pathogenic.

Literature cited by the submitters: PubMed 25817015; PubMed 28493438; PubMed 34446925.

NC_000016.9:g.(?_70301542)_(70305895_?)del

Gene: AARS1 (alanyl-tRNA synthetase 1; minus strand). Cytogenetic location: 16q22.1.
Variant type: Deletion.
Identifiers: ClinVar variation 1682043 (VCV001682043.5).